The following is an entry in ClinVar:

ClinVar aggregate classification (germline): Pathogenic. Review status: criteria provided, single submitter (1 of 4 stars). 2 submissions from 2 submitters: Pathogenic (1). 1 of the submissions does not count toward it. Last evaluated 2025-03-22.

Conditions:
Maple syrup urine disease type 1A (MSUD1A). Also called: MSUD type 1A. Identifiers: MedGen C1855369, MONDO:0023691, OMIM 248600.
Maple syrup urine disease (MSUD). Identifiers: Orphanet 511, MedGen C0024776, MeSH D008375, MONDO:0009563. Disease mechanism: loss of function.

Allele frequency attached by ClinVar (database versions not stated): gnomAD exomes below 0.00001; TOPMed below 0.00001.
gnomAD v4.1: 3 of 1,611,284 alleles (0.00019%); highest among the groups gnomAD compares: Non-Finnish European, 0.00017%; no homozygotes.

Submissions (2):

Labcorp Genetics (formerly Invitae), Labcorp
Classification: Pathogenic for Maple syrup urine disease. Last evaluated: 2025-03-22. Review status: criteria provided, single submitter. Criteria: Invitae Variant Classification Sherloc (09022015). Collection method: clinical testing. Allele origin: germline.
Comment: This sequence change replaces methionine, which is neutral and non-polar, with threonine, which is neutral and polar, at codon 263 of the DBT protein (p.Met263Thr). This variant is not present in population databases (gnomAD no frequency). This missense change has been observed in individual(s) with maple syrup urine disease (PMID: 16786533). ClinVar contains an entry for this variant (Variation ID: 552494). Invitae Evidence Modeling of protein sequence and biophysical properties (such as structural, functional, and spatial information, amino acid conservation, physicochemical variation, residue mobility, and thermodynamic stability) has been performed for this missense variant. However, the output from this modeling did not meet the statistical confidence thresholds required to predict the impact of this variant on DBT protein function. This variant disrupts the p.Met263 amino acid residue in DBT. Other variant(s) that disrupt this residue have been determined to be pathogenic (PMID: 19480318). This suggests that this residue is clinically significant, and that variants that disrupt this residue are likely to be disease-causing. For these reasons, this variant has been classified as Pathogenic.

Counsyl
Classification: Uncertain significance for Maple syrup urine disease type 1A. Last evaluated: 2017-06-21. Review status: no assertion criteria provided. Collection method: clinical testing. Allele origin: unknown. Not counted in ClinVar's aggregate classification.

Literature cited by the submitters: PubMed 16786533 (cited by Labcorp Genetics (formerly Invitae), Labcorp and Counsyl); PubMed 19480318 (cited by Labcorp Genetics (formerly Invitae), Labcorp).

NM_001918.5(DBT):c.788T>C (p.Met263Thr)

Gene: DBT (dihydrolipoamide branched chain transacylase E2; minus strand). Cytogenetic location: 1p21.2.
Variant type: single nucleotide variant.
Coding change: c.788T>C on transcript NM_001918.5 (MANE Select); coding-DNA position 788, T replaced by C.
Protein change: p.Met263Thr; replaces methionine 263 with threonine.
Molecular consequence: missense variant.
Genome position (GRCh38, 1-based): chr1:100,214,968, A>G on the plus strand (T>C on the coding strand, the complement: DBT is on the minus strand). VCF-style: chr1-100214968-A-G. GRCh37 (hg19) VCF-style: chr1-100680524-A-G.
Other names: short protein forms M263T.
Identifiers: ClinVar variation 552494 (VCV000552494.7), dbSNP rs1553230703, ClinGen allele CA341337997.
Genomic context (GRCh38, chr1:100,214,968, plus strand): 5'-TCAATCTCATCACAATAACCAAAATGAGGTATCTTCAGGGCTGCAGACATAGTCTTGACC[A>G]TTGCTTTTTGAAAGCCTGAAAAGCATTAAATTGTTATTCATTTATTTAAATTCTCAAATC-3'
Protein context (NP_001909.4, residues 253-273): TEPIKGFQKA[Met263Thr]VKTMSAALKI